The following is an entry in ClinVar:

NM_080632.3(UPF3B):c.1104G>A (p.Arg368=)

Gene: UPF3B (UPF3B regulator of nonsense mediated mRNA decay; minus strand). Cytogenetic location: Xq24.
Variant type: single nucleotide variant.
Coding change: c.1104G>A on transcript NM_080632.3 (MANE Select); coding-DNA position 1104, G replaced by A.
Protein change: p.Arg368=; no amino-acid change (arginine 368 retained).
Molecular consequence: synonymous variant.
Genome position (GRCh38, 1-based): chrX:119,837,955, C>T on the plus strand (G>A on the coding strand, the complement: UPF3B is on the minus strand). VCF-style: chrX-119837955-C-T. GRCh37 (hg19) VCF-style: chrX-118971918-C-T.
Other names: c.1065G>A, p.Arg355= (NM_023010.4).
Identifiers: ClinVar variation 513888 (VCV000513888.3), dbSNP rs748924206, ClinGen allele CA334123459.

ClinVar aggregate classification (germline): Likely benign. Review status: criteria provided, multiple submitters, no conflicts (2 of 4 stars). 2 submissions from 2 submitters: Likely benign (2). Last evaluated 2024-02-12.

Conditions:
Intellectual developmental disorder, X-linked, syndromic 14. Also called: Syndromic X-linked intellectual disability 14. Identifiers: Orphanet 776, MedGen C1970822, MONDO:0010398, OMIM 300676.

Allele frequency attached by ClinVar (database versions not stated): gnomAD exomes below 0.00001; TOPMed 0.00001.
gnomAD v4.1: 2 of 1,211,023 alleles (0.00017%); highest among the groups gnomAD compares: African/African-American, 0.0035%; no homozygotes.

Submissions (2):

Labcorp Genetics (formerly Invitae), Labcorp
Classification: Likely benign for Intellectual developmental disorder, X-linked, syndromic 14. Last evaluated: 2024-02-12. Review status: criteria provided, single submitter. Criteria: Invitae Variant Classification Sherloc (09022015). Collection method: clinical testing. Allele origin: germline.

GeneDx
Classification: Likely benign. Last evaluated: 2017-12-05. Review status: criteria provided, single submitter. Criteria: GeneDx Variant Classification (06012015). Collection method: clinical testing. Allele origin: germline. Affected: yes.
Comment: This variant is considered likely benign or benign based on one or more of the following criteria: it is a conservative change, it occurs at a poorly conserved position in the protein, it is predicted to be benign by multiple in silico algorithms, and/or has population frequency not consistent with disease.